The following is an entry in ClinVar:

ClinVar aggregate classification (germline): Likely benign (0 of 4 stars; one submission).

Conditions:
MEG3-related disorder. Also called: MEG3-related condition.

Allele frequency attached by ClinVar (database versions not stated): gnomAD 0.00143; TOPMed 0.00145; 1000 Genomes Project 30x 0.00203; 1000 Genomes Project 0.00240.

Submission:

PreventionGenetics, part of Exact Sciences
Classification: Likely benign for MEG3-related condition. Last evaluated: 2022-06-27. Review status: no assertion criteria provided. Collection method: clinical testing. Allele origin: germline.
Comment: This variant is classified as likely benign based on ACMG/AMP sequence variant interpretation guidelines (Richards et al. 2015 PMID: 25741868, with internal and published modifications).

NR_046473.1(MEG3):n.4204C>T

Gene: MEG3 (maternally expressed 3; plus strand). Cytogenetic location: 14q32.2.
Variant type: single nucleotide variant.
Molecular consequence: non-coding transcript variant (on NR_046473.1).
Genome position: GRCh38 VCF-style: chr14-100848820-C-T. GRCh37 (hg19) VCF-style: chr14-101315157-C-T.
Identifiers: ClinVar variation 3052746 (VCV003052746.2), dbSNP rs186345479, ClinGen allele CA266869318.